The following is an entry in ClinVar:

ClinVar aggregate classification (germline): Uncertain significance (1 of 4 stars; one submission).

Conditions:
Van Maldergem syndrome 1 (VMLDS1). Also called: Van Maldergem syndrome 1 (VMLDS1). Identifiers: Orphanet 314679, MedGen C4551950, MONDO:0011070, OMIM 601390.

Submission:

Baylor Genetics
Classification: Uncertain significance for Van Maldergem syndrome 1. Last evaluated: 2020-06-03. Review status: criteria provided, single submitter. Criteria: ACMG Guidelines, 2015. Collection method: clinical testing. Allele origin: unknown. Affected: yes.
Comment: This variant was determined to be of uncertain significance according to ACMG Guidelines, 2015 [PMID:25741868].

NM_003737.4(DCHS1):c.868G>T (p.Val290Leu)

Gene: DCHS1 (dachsous cadherin-related 1; minus strand). Cytogenetic location: 11p15.4.
Variant type: single nucleotide variant.
Coding change: c.868G>T on transcript NM_003737.4 (MANE Select); coding-DNA position 868, G replaced by T.
Protein change: p.Val290Leu; replaces valine 290 with leucine.
Molecular consequence: missense variant.
Genome position (GRCh38, 1-based): chr11:6,640,746, C>A on the plus strand (G>T on the coding strand, the complement: DCHS1 is on the minus strand). VCF-style: chr11-6640746-C-A. GRCh37 (hg19) VCF-style: chr11-6661977-C-A.
Other names: short protein forms V290L.
Identifiers: ClinVar variation 1028649 (VCV001028649.1), dbSNP rs1856058670, ClinGen allele CA379439286.
Genomic context (GRCh38, chr11:6,640,746, plus strand): 5'-GTGCGTCGATGGAGAAGGGTCCATCACCCTCGCTCTGCCTCCGGTTGATCTCGTAAGTCA[C>A]AGCCCCATTGACACCAGCATCGGCATCAGATGCGAACACCTGCAAGACAGGACTGCCAGG-3'
Protein context (NP_003728.1, residues 280-300): SDADAGVNGA[Val290Leu]TYEINRRQSE